The following is an entry in ClinVar:

NM_001165963.4(SCN1A):c.4118T>C (p.Phe1373Ser)

Genes: SCN1A (sodium voltage-gated channel alpha subunit 1; minus strand), LOC102724058 (uncharacterized LOC102724058; plus strand). Cytogenetic location: 2q24.3.
Variant type: single nucleotide variant.
Coding change: c.4118T>C on transcript NM_001165963.4 (MANE Select); coding-DNA position 4118, T replaced by C.
Protein change: p.Phe1373Ser; replaces phenylalanine 1373 with serine.
Molecular consequence: missense variant. On other transcripts: non-coding transcript variant (1).
Genome position (GRCh38, 1-based): chr2:166,002,638, A>G on the plus strand (T>C on the coding strand, the complement: SCN1A is on the minus strand). VCF-style: chr2-166002638-A-G. GRCh37 (hg19) VCF-style: chr2-166859148-A-G.
Other names: c.4034T>C, p.Phe1345Ser (NM_001165964.3, NM_001353957.2, NM_001353958.2); c.4118T>C, p.Phe1373Ser (NM_001202435.3, NM_001353948.2); c.4085T>C, p.Phe1362Ser (NM_001353949.2, NM_001353950.2, NM_001353951.2 and 2 more transcripts); c.4082T>C, p.Phe1361Ser (NM_001353954.2, NM_001353955.2); c.4031T>C, p.Phe1344Ser (NM_001353960.2); c.1676T>C, p.Phe559Ser (NM_001353961.2); short protein forms F1362S, F559S, F1345S, F1373S, F1344S, F1361S.
Identifiers: ClinVar variation 1392482 (VCV001392482.9), dbSNP rs2105509458, ClinGen allele CA349050396.

ClinVar aggregate classification (germline): Likely pathogenic (1 of 4 stars; one submission).

Conditions:
Early-infantile DEE. Also called: Early infantile epileptic encephalopathy; Ohtahara syndrome; Early infantile epileptic encephalopathy with suppression bursts. Identifiers: Orphanet 1934, MedGen C0393706, MONDO:0800491.

Submission:

Labcorp Genetics (formerly Invitae), Labcorp
Classification: Likely pathogenic for Early-infantile DEE. Last evaluated: 2025-08-21. Review status: criteria provided, single submitter. Criteria: Invitae Variant Classification Sherloc (09022015). Collection method: clinical testing. Allele origin: germline.
Comment: This sequence change replaces phenylalanine, which is neutral and non-polar, with serine, which is neutral and polar, at codon 1373 of the SCN1A protein (p.Phe1373Ser). This variant is not present in population databases (gnomAD no frequency). This missense change has been observed in individual(s) with Dravet syndrome (PMID: 28202706). ClinVar contains an entry for this variant (Variation ID: 1392482). Invitae Evidence Modeling of protein sequence and biophysical properties (such as structural, functional, and spatial information, amino acid conservation, physicochemical variation, residue mobility, and thermodynamic stability) indicates that this missense variant is expected to disrupt SCN1A protein function with a positive predictive value of 95%. In summary, the currently available evidence indicates that the variant is pathogenic, but additional data are needed to prove that conclusively. Therefore, this variant has been classified as Likely Pathogenic.

Literature cited by the submitters: PubMed 28202706.